The following is an entry in ClinVar:

NM_001378615.1(CC2D2A):c.3233C>T (p.Ala1078Val)

Genes: CC2D2A (coiled-coil and C2 domain containing 2A; plus strand), FBXL5 (F-box and leucine rich repeat protein 5; minus strand). Cytogenetic location: 4p15.32.
Variant type: single nucleotide variant.
Coding change: c.3233C>T on transcript NM_001378615.1 (MANE Select); coding-DNA position 3233, C replaced by T.
Protein change: p.Ala1078Val; replaces alanine 1078 with valine.
Molecular consequence: missense variant.
Genome position (GRCh38, 1-based): chr4:15,567,427, C>T. VCF-style: chr4-15567427-C-T. GRCh37 (hg19) VCF-style: chr4-15569050-C-T.
Other names: c.3233C>T, p.Ala1078Val (NM_001080522.2); c.3086C>T, p.Ala1029Val (NM_001378617.1); short protein forms A1078V, A1029V.
Identifiers: ClinVar variation 1400105 (VCV001400105.8), dbSNP rs1437673943, ClinGen allele CA356417684.

ClinVar aggregate classification (germline): Uncertain significance. Review status: criteria provided, multiple submitters, no conflicts (2 of 4 stars). 2 submissions from 2 submitters: Uncertain significance (2). Last evaluated 2021-09-24.

Conditions:
Joubert syndrome. Also called: JOUBERT-BOLTSHAUSER SYNDROME; Familial aplasia of the vermis. Identifiers: Orphanet 475, MedGen C5979921, MONDO:0018772.
Meckel-Gruber syndrome. Also called: DYSENCEPHALIA SPLANCHNOCYSTICA; GRUBER SYNDROME; Dysencephalia splachnocystica. Identifiers: Orphanet 564, MedGen C0265215, MONDO:0018921.

Allele frequency attached by ClinVar (database versions not stated): gnomAD exomes below 0.00001.
gnomAD v4.1: 2 of 1,613,538 alleles (0.00012%); highest among the groups gnomAD compares: Non-Finnish European, 0.000085%; no homozygotes.

Submissions (2):

Labcorp Genetics (formerly Invitae), Labcorp
Classification: Uncertain significance for Joubert syndrome; Meckel-Gruber syndrome. Last evaluated: 2021-09-24. Review status: criteria provided, single submitter. Criteria: Invitae Variant Classification Sherloc (09022015). Collection method: clinical testing. Allele origin: germline.
Comment: This sequence change replaces alanine with valine at codon 1078 of the CC2D2A protein (p.Ala1078Val). The alanine residue is moderately conserved and there is a small physicochemical difference between alanine and valine. This variant is not present in population databases (ExAC no frequency). This variant has not been reported in the literature in individuals affected with CC2D2A-related conditions. Algorithms developed to predict the effect of missense changes on protein structure and function (SIFT, PolyPhen-2, Align-GVGD) all suggest that this variant is likely to be tolerated. In summary, the available evidence is currently insufficient to determine the role of this variant in disease. Therefore, it has been classified as a Variant of Uncertain Significance.

Revvity Omics, Revvity
Classification: Uncertain significance. Last evaluated: 2019-04-23. Review status: criteria provided, single submitter. Criteria: ACMG Guidelines, 2015. Collection method: clinical testing. Allele origin: germline.